The following is an entry in ClinVar:

ClinVar aggregate classification (germline): Uncertain significance. Review status: criteria provided, multiple submitters, no conflicts (2 of 4 stars). 2 submissions from 2 submitters: Uncertain significance (2). Last evaluated 2024-04-29.

Conditions:
Hypertrophic cardiomyopathy. Also called: HYPERTROPHIC MYOCARDIOPATHY. Identifiers: Orphanet 217569, MedGen C0007194, MeSH D002312, MONDO:0005045, HP:0001639.

gnomAD v4.1: 1 of 1,613,618 alleles (0.000062%); highest among the groups gnomAD compares: Non-Finnish European, 0.000085%; no homozygotes.

Submissions (2):

Labcorp Genetics (formerly Invitae), Labcorp
Classification: Uncertain significance for Hypertrophic cardiomyopathy. Last evaluated: 2024-04-29. Review status: criteria provided, single submitter. Criteria: Invitae Variant Classification Sherloc (09022015). Collection method: clinical testing. Allele origin: germline.
Comment: This sequence change replaces valine, which is neutral and non-polar, with alanine, which is neutral and non-polar, at codon 44 of the TPM1 protein (p.Val44Ala). This variant is not present in population databases (gnomAD no frequency). This variant has not been reported in the literature in individuals affected with TPM1-related conditions. An algorithm developed to predict the effect of missense changes on protein structure and function (PolyPhen-2) suggests that this variant is likely to be tolerated. In summary, the available evidence is currently insufficient to determine the role of this variant in disease. Therefore, it has been classified as a Variant of Uncertain Significance.

All of Us Research Program, National Institutes of Health
Classification: Uncertain significance for Hypertrophic cardiomyopathy. Last evaluated: 2024-03-24. Review status: criteria provided, single submitter. Criteria: ACMG Guidelines, 2015. Collection method: clinical testing. Allele origin: germline. Inheritance: Autosomal dominant inheritance. Observed: 1 variant allele, 1 heterozygote.
Comment: This missense variant replaces valine with alanine at codon 44 of the TPM1 protein. Computational prediction tools indicate that this variant has a neutral impact on protein structure and function. To our knowledge, functional studies have not been reported for this variant. This variant has not been reported in individuals affected with TPM1-related disorders in the literature. This variant has not been identified in the general population by the Genome Aggregation Database (gnomAD). The available evidence is insufficient to determine the role of this variant in disease conclusively. Therefore, this variant is classified as a Variant of Uncertain Significance.

This study involves interpretation of variants in research participants for the purpose of population health screening. Participant phenotype was not available at the time of variant classification. Additional details can be found in publication PMID: 35346344, PMCID: PMC8962531

NM_001018005.2(TPM1):c.131T>C (p.Val44Ala)

Gene: TPM1 (tropomyosin 1; plus strand). Cytogenetic location: 15q22.2.
Variant type: single nucleotide variant.
Coding change: c.131T>C on transcript NM_001018005.2 (MANE Select); coding-DNA position 131, T replaced by C.
Protein change: p.Val44Ala; replaces valine 44 with alanine.
Molecular consequence: missense variant. On other transcripts: non-coding transcript variant (12), intron variant (10).
Genome position (GRCh38, 1-based): chr15:63,044,043, T>C. VCF-style: chr15-63044043-T-C. GRCh37 (hg19) VCF-style: chr15-63336242-T-C.
Other names: c.131T>C, p.Val44Ala (NM_001365776.1, NM_001365777.1, NM_001365779.1 and 10 more transcripts); c.257T>C, p.Val86Ala (NM_001365778.1, NM_001407322.1, NM_001407323.1 and 1 more transcripts); c.240+212T>C (NM_001407336.1, NM_001018020.2, NM_001407338.1 and 7 more transcripts); short protein forms V44A, V86A.
Identifiers: ClinVar variation 3386131 (VCV003386131.3).